The following is an entry in ClinVar:

ClinVar aggregate classification (germline): Pathogenic/Likely pathogenic. Review status: criteria provided, multiple submitters, no conflicts (2 of 4 stars). 3 submissions from 3 submitters: Pathogenic (2); Likely pathogenic (1). Last evaluated 2026-06-08.

Conditions:
Colorectal cancer, hereditary nonpolyposis, type 7. Identifiers: Orphanet 144, MedGen C1858380, MONDO:0013725, OMIM 614385.

Submissions (3):

Ambry Genetics
Classification: Pathogenic. Last evaluated: 2026-06-08. Review status: criteria provided, single submitter. Criteria: Ambry Variant Classification Scheme 2023. Collection method: clinical testing. Allele origin: germline.
Comment: The c.3956delG pathogenic mutation, located in coding exon 8 of the MLH3 gene, results from a deletion of one nucleotide at nucleotide position 3956, causing a translational frameshift with a predicted alternate stop codon (p.G1319Efs*5). This alteration is expected to result in loss of function by premature protein truncation or nonsense-mediated mRNA decay. As such, this alteration is interpreted as a disease-causing mutation.

Myriad Genetics, Inc.
Classification: Pathogenic for Colorectal cancer, hereditary nonpolyposis, type 7. Last evaluated: 2026-01-13. Review status: criteria provided, single submitter. Criteria: Myriad Autosomal Dominant, Autosomal Recessive and X-Linked Classification Criteria (2023). Collection method: clinical testing. Allele origin: unknown.
Comment: This variant is considered pathogenic. This variant creates a frameshift predicted to result in premature protein truncation.

Genetics and Genomic Medicine Centre, NeuroGen Healthcare, NeuroGen Healthcare
Classification: Likely pathogenic for Colorectal cancer, hereditary nonpolyposis, type 7. Last evaluated: 2021-10-16. Review status: criteria provided, single submitter. Criteria: Submitter's publication. Collection method: clinical testing. Allele origin: unknown. Affected: no.

NM_001040108.2(MLH3):c.3956del (p.Gly1319fs)

Gene: MLH3 (mutL homolog 3; minus strand). Cytogenetic location: 14q24.3.
Variant type: Deletion.
Coding change: c.3956del on transcript NM_001040108.2 (MANE Select); coding-DNA position 3956, one base deleted (G; older notation c.3956delG).
Protein change: p.Gly1319fs; shifts the reading frame from glycine 1319.
Molecular consequence: frameshift variant.
Genome position (GRCh38, 1-based): chr14:75,030,574, C deleted on the plus strand (G on the coding strand, the reverse complement: MLH3 is on the minus strand); the first of 2 consecutive C bases (chr14:75,030,574-75,030,575); deleting either gives the same sequence. VCF-style (leftmost placement, unchanged base first): chr14-75030573-TC-T. GRCh37 (hg19) VCF-style: chr14-75497276-TC-T.
Other names: c.3956delG (NM_001040108.1); c.3884del, p.Gly1295fs (NM_014381.3); short protein forms G1295fs, G1319fs.
Identifiers: ClinVar variation 3765551 (VCV003765551.4).
Genomic context (GRCh38, chr14:75,030,573, plus strand): 5'-ATTTCCTTAACATCTGCAGCTGTGTCTTACCTCCACAATACTCTTGGTCACAGTAGATCT[TC>T]CTCTCCGAAGTTCATTGGCTTCTCTTTCCACAAAACATAGTGGTACTTTTCCCACAAGGA-3'